The following is an entry in ClinVar:

NM_000268.4(NF2):c.1122+3G>A

Gene: NF2 (NF2, moesin-ezrin-radixin like (MERLIN) tumor suppressor; plus strand). Cytogenetic location: 22q12.2.
Variant type: single nucleotide variant.
Coding change: c.1122+3G>A on transcript NM_000268.4 (MANE Select); 3 bases into the intron after coding-DNA position 1122, G replaced by A.
Molecular consequence: intron variant.
Genome position (GRCh38, 1-based): chr22:29,671,951, G>A. VCF-style: chr22-29671951-G-A. GRCh37 (hg19) VCF-style: chr22-30067940-G-A.
Other names: c.1122+3G>A (NM_016418.5, NM_181832.3, NM_001407060.1 and 2 more transcripts); c.1008+3G>A (NM_001407056.1, NM_001407053.1); c.891+3G>A (NM_001407067.1); c.588+3G>A (NM_001407065.1); c.987+3G>A (NM_001407059.1, NM_001407057.1); c.448-22801G>A (NM_181833.3); c.999+3G>A (NM_001407058.1, NM_181829.3, NM_001407054.1); c.864+3G>A (NM_001407062.1); and 2 more.
Identifiers: ClinVar variation 4861007 (VCV004861007.1).
Genomic context (GRCh38, chr22:29,671,951, plus strand): 5'-GTTGGAGAGGAGGCTGCTGCAGATGAAAGAAGAAGCAACAATGGCCAACGAAGCACTGGT[G>A]ATTTCTGAGGGGCTGGGGTTCCAGGAGGCTACTTGGGGACTTCCTTGGCTTTTCTGGAGC-3'

ClinVar aggregate classification (germline): Uncertain significance (1 of 4 stars; one submission).

Conditions:
Hereditary cancer-predisposing syndrome. Also called: Neoplastic Syndromes, Hereditary; Tumor predisposition; Hereditary Cancer Syndrome; Hereditary neoplastic syndrome. Identifiers: Orphanet 140162, MedGen C0027672, MeSH D009386, MONDO:0015356.

Submission:

Ambry Genetics
Classification: Uncertain significance for Hereditary cancer-predisposing syndrome. Last evaluated: 2026-03-23. Review status: criteria provided, single submitter. Criteria: Ambry Variant Classification Scheme 2023. Collection method: clinical testing. Allele origin: germline.
Comment: The c.1122+3G>A intronic variant results from a G to A substitution 3 nucleotides after coding exon 11 in the NF2 gene. This nucleotide position is well conserved in available vertebrate species. In silico splice site analysis predicts that this alteration will not have any significant effect on splicing. Based on the available evidence, the clinical significance of this variant remains unclear.